The following is an entry in ClinVar:

ClinVar aggregate classification (germline): Uncertain significance. Review status: criteria provided, multiple submitters, no conflicts (2 of 4 stars). 2 submissions from 2 submitters: Uncertain significance (2). Last evaluated 2025-10-07.

Conditions:
Bardet-Biedl syndrome (BBS). Identifiers: Orphanet 110, MedGen C0752166, MONDO:0015229.
BBS10-related disorder. Also called: BBS10-related condition.

Submissions (2):

PreventionGenetics, part of Exact Sciences
Classification: Uncertain significance for BBS10-related condition. Last evaluated: 2025-10-07. Review status: criteria provided, single submitter. Criteria: ACMG Guidelines, 2015. Collection method: clinical testing. Allele origin: germline.
Comment: The BBS10 c.655G>T variant is predicted to result in the amino acid substitution p.Val219Leu. To our knowledge, this variant has not been reported in the literature. This variant is reported in 0.00088% of alleles in individuals of European (Non-Finnish) descent in gnomAD. At this time, the clinical significance of this variant is uncertain due to the absence of conclusive functional and genetic evidence.

Labcorp Genetics (formerly Invitae), Labcorp
Classification: Uncertain significance for Bardet-Biedl syndrome. Last evaluated: 2025-04-28. Review status: criteria provided, single submitter. Criteria: Invitae Variant Classification Sherloc (09022015). Collection method: clinical testing. Allele origin: germline.
Comment: This sequence change replaces valine, which is neutral and non-polar, with leucine, which is neutral and non-polar, at codon 219 of the BBS10 protein (p.Val219Leu). This variant is present in population databases (no rsID available, gnomAD 0.0009%). This variant has not been reported in the literature in individuals affected with BBS10-related conditions. ClinVar contains an entry for this variant (Variation ID: 1990589). Invitae Evidence Modeling of protein sequence and biophysical properties (such as structural, functional, and spatial information, amino acid conservation, physicochemical variation, residue mobility, and thermodynamic stability) indicates that this missense variant is not expected to disrupt BBS10 protein function with a negative predictive value of 80%. In summary, the available evidence is currently insufficient to determine the role of this variant in disease. Therefore, it has been classified as a Variant of Uncertain Significance.

NM_024685.4(BBS10):c.655G>T (p.Val219Leu)

Gene: BBS10 (Bardet-Biedl syndrome 10; minus strand). Cytogenetic location: 12q21.2.
Variant type: single nucleotide variant.
Coding change: c.655G>T on transcript NM_024685.4 (MANE Select); coding-DNA position 655, G replaced by T.
Protein change: p.Val219Leu; replaces valine 219 with leucine.
Molecular consequence: missense variant.
Genome position (GRCh38, 1-based): chr12:76,347,330, C>A on the plus strand (G>T on the coding strand, the complement: BBS10 is on the minus strand). VCF-style: chr12-76347330-C-A. GRCh37 (hg19) VCF-style: chr12-76741110-C-A.
Other names: c.655G>T (NM_024685.3); short protein forms V219L.
Identifiers: ClinVar variation 1990589 (VCV001990589.3), dbSNP rs557802902, ClinGen allele CA385814696.